The following is an entry in ClinVar:

NM_003038.5(SLC1A4):c.580G>A (p.Asp194Asn)

Gene: SLC1A4 (solute carrier family 1 member 4; plus strand). Cytogenetic location: 2p14.
Variant type: single nucleotide variant.
Coding change: c.580G>A on transcript NM_003038.5 (MANE Select); coding-DNA position 580, G replaced by A.
Protein change: p.Asp194Asn; replaces aspartic acid 194 with asparagine.
Molecular consequence: missense variant. On other transcripts: 5 prime UTR variant (3).
Genome position (GRCh38, 1-based): chr2:65,003,962, G>A. VCF-style: chr2-65003962-G-A. GRCh37 (hg19) VCF-style: chr2-65231096-G-A.
Other names: c.-81G>A (NM_001193493.2, NM_001348406.2, NM_001348407.2); short protein forms D194N.
Identifiers: ClinVar variation 1503025 (VCV001503025.4), dbSNP rs140402535, ClinGen allele CA1685925.
Genomic context (GRCh38, chr2:65,003,962, plus strand): 5'-CGGTCTTCACCTGTGCACTAACAGTGGGTTTTTTTTTCCTCTTGATCACAGTATGCAACC[G>A]ATTATAAAGTCGTGACCCAGAACAGCAGCTCTGGAAATGTAACCCATGAAAAGGTAAAGC-3'
Protein context (NP_003029.2, residues 184-204): VVAAFRTYAT[Asp194Asn]YKVVTQNSSS

ClinVar aggregate classification (germline): Uncertain significance. Review status: criteria provided, multiple submitters, no conflicts (2 of 4 stars). 2 submissions from 2 submitters: Uncertain significance (2). Last evaluated 2024-11-18.

Allele frequency attached by ClinVar (database versions not stated): ExAC 0.00006; gnomAD exomes 0.00006 and 0.00010; TOPMed 0.00007; ESP Exome Variant Server 0.00015.
gnomAD v4.1: 105 of 1,613,650 alleles (0.0065%); highest among the groups gnomAD compares: African/African-American, 0.012%; no homozygotes.

Submissions (2):

Blueprint Genetics
Classification: Uncertain significance. Last evaluated: 2024-11-18. Review status: criteria provided, single submitter. Criteria: ACMG Guidelines, 2015. Collection method: clinical testing. Allele origin: germline.

Labcorp Genetics (formerly Invitae), Labcorp
Classification: Uncertain significance. Last evaluated: 2022-03-24. Review status: criteria provided, single submitter. Criteria: Invitae Variant Classification Sherloc (09022015). Collection method: clinical testing. Allele origin: germline.
Comment: This sequence change replaces aspartic acid, which is acidic and polar, with asparagine, which is neutral and polar, at codon 194 of the SLC1A4 protein (p.Asp194Asn). This variant is present in population databases (rs140402535, gnomAD 0.2%). This variant has not been reported in the literature in individuals affected with SLC1A4-related conditions. Algorithms developed to predict the effect of missense changes on protein structure and function output the following: SIFT: "Tolerated"; PolyPhen-2: "Benign"; Align-GVGD: "Class C0". The asparagine amino acid residue is found in multiple mammalian species, which suggests that this missense change does not adversely affect protein function. In summary, the available evidence is currently insufficient to determine the role of this variant in disease. Therefore, it has been classified as a Variant of Uncertain Significance.